The following is an entry in ClinVar:

NM_005585.5(SMAD6):c.53T>G (p.Val18Gly)

Gene: SMAD6 (SMAD family member 6; plus strand). Cytogenetic location: 15q22.31.
Variant type: single nucleotide variant.
Coding change: c.53T>G on transcript NM_005585.5 (MANE Select); coding-DNA position 53, T replaced by G.
Protein change: p.Val18Gly; replaces valine 18 with glycine.
Molecular consequence: missense variant. On other transcripts: non-coding transcript variant (1).
Genome position (GRCh38, 1-based): chr15:66,703,311, T>G. VCF-style: chr15-66703311-T-G. GRCh37 (hg19) VCF-style: chr15-66995649-T-G.
Other names: c.53T>G (NM_005585.4); short protein forms V18G.
Identifiers: ClinVar variation 1401494 (VCV001401494.7), dbSNP rs1221430921, ClinGen allele CA392948392.

ClinVar aggregate classification (germline): Uncertain significance. Review status: criteria provided, multiple submitters, no conflicts (2 of 4 stars). 2 submissions from 2 submitters: Uncertain significance (2). Last evaluated 2025-10-01.

Conditions:
Inborn genetic diseases. Identifiers: MedGen C0950123, MeSH D030342.
Aortic valve disease 2 (AOVD2). Identifiers: MedGen C3542024, MONDO:0013902, OMIM 614823.

Allele frequency attached by ClinVar (database versions not stated): gnomAD 0.00001; gnomAD exomes 0.00001.
gnomAD v4.1: 2 of 1,489,872 alleles (0.00013%); highest among the groups gnomAD compares: Admixed American, 0.0023%; no homozygotes.

Submissions (2):

Labcorp Genetics (formerly Invitae), Labcorp
Classification: Uncertain significance for Aortic valve disease 2. Last evaluated: 2025-10-01. Review status: criteria provided, single submitter. Criteria: Invitae Variant Classification Sherloc (09022015). Collection method: clinical testing. Allele origin: germline.
Comment: This sequence change replaces valine, which is neutral and non-polar, with glycine, which is neutral and non-polar, at codon 18 of the SMAD6 protein (p.Val18Gly). This variant is present in population databases (no rsID available, gnomAD 0.006%). This variant has not been reported in the literature in individuals affected with SMAD6-related conditions. ClinVar contains an entry for this variant (Variation ID: 1401494). An algorithm developed to predict the effect of missense changes on protein structure and function (PolyPhen-2) suggests that this variant is likely to be disruptive. In summary, the available evidence is currently insufficient to determine the role of this variant in disease. Therefore, it has been classified as a Variant of Uncertain Significance.

Ambry Genetics
Classification: Uncertain significance for Inborn genetic diseases. Last evaluated: 2023-10-27. Review status: criteria provided, single submitter. Criteria: Ambry Variant Classification Scheme 2023. Collection method: clinical testing. Allele origin: germline.
Comment: The p.V18G variant (also known as c.53T>G), located in coding exon 1 of the SMAD6 gene, results from a T to G substitution at nucleotide position 53. The valine at codon 18 is replaced by glycine, an amino acid with dissimilar properties. This amino acid position is conserved. In addition, the in silico prediction for this alteration is inconclusive. Since supporting evidence is limited at this time, the clinical significance of this alteration remains unclear.